The following is an entry in ClinVar:

ClinVar aggregate classification (germline): Uncertain significance. Review status: criteria provided, multiple submitters, no conflicts (2 of 4 stars). 3 submissions from 3 submitters: Uncertain significance (3). Last evaluated 2021-12-13.

Conditions:
Inborn genetic diseases. Identifiers: MedGen C0950123, MeSH D030342.

Allele frequency attached by ClinVar (database versions not stated): ExAC 0.00005; gnomAD exomes 0.00005; gnomAD 0.00006.
gnomAD v4.1: 106 of 1,613,444 alleles (0.0066%); highest among the groups gnomAD compares: Non-Finnish European, 0.0089%; no homozygotes.

Submissions (3):

Labcorp Genetics (formerly Invitae), Labcorp
Classification: Uncertain significance. Last evaluated: 2021-12-13. Review status: criteria provided, single submitter. Criteria: Invitae Variant Classification Sherloc (09022015). Collection method: clinical testing. Allele origin: germline.
Comment: This sequence change replaces proline, which is neutral and non-polar, with arginine, which is basic and polar, at codon 239 of the DNAH9 protein (p.Pro239Arg). This variant is present in population databases (rs539185922, gnomAD 0.01%). This variant has not been reported in the literature in individuals affected with DNAH9-related conditions. Algorithms developed to predict the effect of missense changes on protein structure and function are either unavailable or do not agree on the potential impact of this missense change (SIFT: "Deleterious"; PolyPhen-2: "Benign"; Align-GVGD: "Class C0"). In summary, the available evidence is currently insufficient to determine the role of this variant in disease. Therefore, it has been classified as a Variant of Uncertain Significance.

Ambry Genetics
Classification: Uncertain significance for Inborn genetic diseases. Last evaluated: 2021-09-01. Review status: criteria provided, single submitter. Criteria: Ambry Variant Classification Scheme 2023. Collection method: clinical testing. Allele origin: germline.

Breakthrough Genomics
Classification: Uncertain significance. Review status: criteria provided, single submitter. Criteria: ACMG Guidelines, 2015. Collection method: not provided. Allele origin: germline. Inheritance: Autosomal recessive inheritance. Affected: yes.

NM_001372.4(DNAH9):c.716C>G (p.Pro239Arg)

Gene: DNAH9 (dynein axonemal heavy chain 9; plus strand). Cytogenetic location: 17p12.
Variant type: single nucleotide variant.
Coding change: c.716C>G on transcript NM_001372.4 (MANE Select); coding-DNA position 716, C replaced by G.
Protein change: p.Pro239Arg; replaces proline 239 with arginine.
Molecular consequence: missense variant.
Genome position (GRCh38, 1-based): chr17:11,610,497, C>G. VCF-style: chr17-11610497-C-G. GRCh37 (hg19) VCF-style: chr17-11513814-C-G.
Other names: c.716C>G (NM_001372.3); short protein forms P239R.
Identifiers: ClinVar variation 1445975 (VCV001445975.5), dbSNP rs539185922, ClinGen allele CA8394631.